The following is an entry in ClinVar:

NM_012073.5(CCT5):c.1270G>T (p.Ala424Ser)

Gene: CCT5 (chaperonin containing TCP1 subunit 5; plus strand). Cytogenetic location: 5p15.2.
Variant type: single nucleotide variant.
Coding change: c.1270G>T on transcript NM_012073.5 (MANE Select); coding-DNA position 1270, G replaced by T.
Protein change: p.Ala424Ser; replaces alanine 424 with serine.
Molecular consequence: missense variant.
Genome position (GRCh38, 1-based): chr5:10,262,571, G>T. VCF-style: chr5-10262571-G-T. GRCh37 (hg19) VCF-style: chr5-10262683-G-T.
Other names: c.1207G>T, p.Ala403Ser (NM_001306153.1); c.1105G>T, p.Ala369Ser (NM_001306154.2); c.991G>T, p.Ala331Ser (NM_001306155.2); c.1156G>T, p.Ala386Ser (NM_001306156.2); short protein forms A331S, A403S, A424S, A369S, A386S.
Identifiers: ClinVar variation 905599 (VCV000905599.6), dbSNP rs767982457, ClinGen allele CA3198309.

ClinVar aggregate classification (germline): Uncertain significance. Review status: criteria provided, multiple submitters, no conflicts (2 of 4 stars). 3 submissions from 3 submitters: Uncertain significance (3). Last evaluated 2025-04-22.

Conditions:
Hereditary sensory and autonomic neuropathy with spastic paraplegia (HSNSP). Identifiers: Orphanet 139578, MedGen C1850395, MONDO:0009748, OMIM 256840.

Allele frequency attached by ClinVar (database versions not stated): TOPMed below 0.00001; gnomAD 0.00001; gnomAD exomes 0.00001 and 0.00002; ExAC 0.00002.
gnomAD v4.1: 33 of 1,614,140 alleles (0.002%); highest among the groups gnomAD compares: East Asian, 0.045%; no homozygotes.

Submissions (3):

Labcorp Genetics (formerly Invitae), Labcorp
Classification: Uncertain significance for Hereditary sensory and autonomic neuropathy with spastic paraplegia. Last evaluated: 2025-04-22. Review status: criteria provided, single submitter. Criteria: Invitae Variant Classification Sherloc (09022015). Collection method: clinical testing. Allele origin: germline.
Comment: This sequence change replaces alanine, which is neutral and non-polar, with serine, which is neutral and polar, at codon 424 of the CCT5 protein (p.Ala424Ser). This variant is present in population databases (rs767982457, gnomAD 0.02%). This variant has not been reported in the literature in individuals affected with CCT5-related conditions. ClinVar contains an entry for this variant (Variation ID: 905599). Invitae Evidence Modeling of protein sequence and biophysical properties (such as structural, functional, and spatial information, amino acid conservation, physicochemical variation, residue mobility, and thermodynamic stability) indicates that this missense variant is not expected to disrupt CCT5 protein function with a negative predictive value of 80%. In summary, the available evidence is currently insufficient to determine the role of this variant in disease. Therefore, it has been classified as a Variant of Uncertain Significance.

Ambry Genetics
Classification: Uncertain significance. Last evaluated: 2024-01-22. Review status: criteria provided, single submitter. Criteria: Ambry Variant Classification Scheme 2023. Collection method: clinical testing. Allele origin: germline.

Illumina Laboratory Services, Illumina
Classification: Uncertain significance for Hereditary sensory and autonomic neuropathy with spastic paraplegia. Last evaluated: 2018-01-12. Review status: criteria provided, single submitter. Criteria: ICSL Variant Classification Criteria 13 December 2019. Collection method: clinical testing. Allele origin: germline.